The following is an entry in ClinVar:

NM_015375.3(DSTYK):c.2735G>A (p.Arg912Gln)

Gene: DSTYK (dual serine/threonine and tyrosine protein kinase; minus strand). Cytogenetic location: 1q32.1.
Variant type: single nucleotide variant.
Coding change: c.2735G>A on transcript NM_015375.3 (MANE Select); coding-DNA position 2735, G replaced by A.
Protein change: p.Arg912Gln; replaces arginine 912 with glutamine.
Molecular consequence: missense variant.
Genome position (GRCh38, 1-based): chr1:205,147,613, C>T on the plus strand (G>A on the coding strand, the complement: DSTYK is on the minus strand). VCF-style: chr1-205147613-C-T. GRCh37 (hg19) VCF-style: chr1-205116741-C-T.
Other names: c.2600G>A, p.Arg867Gln (NM_199462.3); short protein forms R867Q, R912Q.
Identifiers: ClinVar variation 3698181 (VCV003698181.2).

ClinVar aggregate classification (germline): Uncertain significance (1 of 4 stars; one submission).

gnomAD v4.1: 8 of 1,613,822 alleles (0.0005%); highest among the groups gnomAD compares: East Asian, 0.0045%; no homozygotes.

Submission:

Labcorp Genetics (formerly Invitae), Labcorp
Classification: Uncertain significance. Last evaluated: 2024-04-25. Review status: criteria provided, single submitter. Criteria: Invitae Variant Classification Sherloc (09022015). Collection method: clinical testing. Allele origin: germline.
Comment: This sequence change replaces arginine, which is basic and polar, with glutamine, which is neutral and polar, at codon 912 of the DSTYK protein (p.Arg912Gln). This variant is present in population databases (rs778888245, gnomAD 0.007%). This variant has not been reported in the literature in individuals affected with DSTYK-related conditions. An algorithm developed to predict the effect of missense changes on protein structure and function (PolyPhen-2) suggests that this variant is likely to be tolerated. In summary, the available evidence is currently insufficient to determine the role of this variant in disease. Therefore, it has been classified as a Variant of Uncertain Significance.